The following is an entry in ClinVar:

ClinVar aggregate classification (germline): Uncertain significance. Review status: criteria provided, multiple submitters, no conflicts (2 of 4 stars). 2 submissions from 2 submitters: Uncertain significance (2). Last evaluated 2023-02-07.

Conditions:
Inborn genetic diseases. Identifiers: MedGen C0950123, MeSH D030342.

Allele frequency attached by ClinVar (database versions not stated): ExAC 0.00002; gnomAD 0.00009; TOPMed 0.00009; gnomAD exomes 0.00016.
gnomAD v4.1: 237 of 1,614,004 alleles (0.015%); highest among the groups gnomAD compares: Non-Finnish European, 0.019%; no homozygotes.

Submissions (2):

Labcorp Genetics (formerly Invitae), Labcorp
Classification: Uncertain significance. Last evaluated: 2023-02-07. Review status: criteria provided, single submitter. Criteria: Invitae Variant Classification Sherloc (09022015). Collection method: clinical testing. Allele origin: germline.
Comment: This sequence change replaces glutamic acid, which is acidic and polar, with lysine, which is basic and polar, at codon 1683 of the LTBP2 protein (p.Glu1683Lys). This variant is present in population databases (rs761738504, gnomAD 0.008%). This variant has not been reported in the literature in individuals affected with LTBP2-related conditions. Algorithms developed to predict the effect of missense changes on protein structure and function (SIFT, PolyPhen-2, Align-GVGD) all suggest that this variant is likely to be disruptive. In summary, the available evidence is currently insufficient to determine the role of this variant in disease. Therefore, it has been classified as a Variant of Uncertain Significance.

Ambry Genetics
Classification: Uncertain significance for Inborn genetic diseases. Last evaluated: 2021-10-06. Review status: criteria provided, single submitter. Criteria: Ambry Variant Classification Scheme 2023. Collection method: clinical testing. Allele origin: germline.

NM_000428.3(LTBP2):c.5047G>A (p.Glu1683Lys)

Gene: LTBP2 (latent transforming growth factor beta binding protein 2; minus strand). Cytogenetic location: 14q24.3.
Variant type: single nucleotide variant.
Coding change: c.5047G>A on transcript NM_000428.3 (MANE Select); coding-DNA position 5047, G replaced by A.
Protein change: p.Glu1683Lys; replaces glutamic acid 1683 with lysine.
Molecular consequence: missense variant.
Genome position (GRCh38, 1-based): chr14:74,502,776, C>T on the plus strand (G>A on the coding strand, the complement: LTBP2 is on the minus strand). VCF-style: chr14-74502776-C-T. GRCh37 (hg19) VCF-style: chr14-74969479-C-T.
Other names: short protein forms E1683K.
Identifiers: ClinVar variation 2063967 (VCV002063967.3), dbSNP rs761738504, ClinGen allele CA7268546.